The following is an entry in ClinVar:

ClinVar aggregate classification (germline): conflicting data from submitters (0 of 4 stars; one submission).

Submission:

GeneDx
Classification: conflicting data from submitters. Last evaluated: 2011-04-30. Review status: no assertion criteria provided. Collection method: clinical testing. Allele origin: unknown. Affected: yes. Observed: 11 variant alleles. Clinical features observed: Developmental delay AND/OR other significant developmental or morphological phenotypes.
Comment: Uncertain significance(1), Likely benign (1), Benign (9)

GRCh38/hg38 3q23(chr3:142113086-142334267)x3

Genes: GK5 (glycerol kinase 5; minus strand), TFDP2 (transcription factor Dp-2; minus strand), XRN1 (5'-3' exoribonuclease 1; minus strand), LOC112903842 (Sharpr-MPRA regulatory region 12219; plus strand), LOC129937697 (ATAC-STARR-seq lymphoblastoid silent region 14784; plus strand) and 3 more. Cytogenetic location: 3q23.
Variant type: copy number gain.
Change: copy number 3 (three copies instead of two) of chr3:142,113,086-142,334,267 (221.2 kb, GRCh38 coordinates, 1-based), cytogenetic band 3q23.
Identifiers: ClinVar variation 144864 (VCV000144864.2).